The following is an entry in ClinVar:

ClinVar aggregate classification (germline): Uncertain significance. Review status: criteria provided, multiple submitters, no conflicts (2 of 4 stars). 2 submissions from 2 submitters: Uncertain significance (2). Last evaluated 2024-10-16.

Conditions:
Hyper-IgM syndrome type 1. Also called: CD40 Ligand Deficiency; X-linked hyper-IgM syndrome; Hyper-IgM Immunodeficiency Syndrome, Type 1; Immunodeficiency, X-linked, with hyper-IgM. Identifiers: Orphanet 101088, MedGen C0398689, MONDO:0010626, OMIM 308230.

Submissions (2):

Labcorp Genetics (formerly Invitae), Labcorp
Classification: Uncertain significance for Hyper-IgM syndrome type 1. Last evaluated: 2024-10-16. Review status: criteria provided, single submitter. Criteria: Invitae Variant Classification Sherloc (09022015). Collection method: clinical testing. Allele origin: germline.
Comment: This sequence change replaces glutamine, which is neutral and polar, with proline, which is neutral and non-polar, at codon 160 of the CD40LG protein (p.Gln160Pro). This variant is not present in population databases (gnomAD no frequency). This variant has not been reported in the literature in individuals affected with CD40LG-related conditions. ClinVar contains an entry for this variant (Variation ID: 2006977). Invitae Evidence Modeling of protein sequence and biophysical properties (such as structural, functional, and spatial information, amino acid conservation, physicochemical variation, residue mobility, and thermodynamic stability) indicates that this missense variant is expected to disrupt CD40LG protein function with a positive predictive value of 95%. In summary, the available evidence is currently insufficient to determine the role of this variant in disease. Therefore, it has been classified as a Variant of Uncertain Significance.

Blueprint Genetics
Classification: Uncertain significance. Last evaluated: 2021-01-27. Review status: criteria provided, single submitter. Criteria: ACMG Guidelines, 2015. Collection method: clinical testing. Allele origin: germline.

NM_000074.3(CD40LG):c.479A>C (p.Gln160Pro)

Gene: CD40LG (CD40 ligand; plus strand). Cytogenetic location: Xq26.3.
Variant type: single nucleotide variant.
Coding change: c.479A>C on transcript NM_000074.3 (MANE Select); coding-DNA position 479, A replaced by C.
Protein change: p.Gln160Pro; replaces glutamine 160 with proline.
Molecular consequence: missense variant.
Genome position (GRCh38, 1-based): chrX:136,659,108, A>C. VCF-style: chrX-136659108-A-C. GRCh37 (hg19) VCF-style: chrX-135741267-A-C.
Other names: short protein forms Q160P.
Identifiers: ClinVar variation 2006977 (VCV002006977.5), dbSNP rs2522117842, ClinGen allele CA414755704.